The following is an entry in ClinVar:

NM_000135.4(FANCA):c.2057C>G (p.Ala686Gly)

Gene: FANCA (FA complementation group A; minus strand). Cytogenetic location: 16q24.3.
Variant type: single nucleotide variant.
Coding change: c.2057C>G on transcript NM_000135.4 (MANE Select); coding-DNA position 2057, C replaced by G.
Protein change: p.Ala686Gly; replaces alanine 686 with glycine.
Molecular consequence: missense variant.
Genome position (GRCh38, 1-based): chr16:89,771,772, G>C on the plus strand (C>G on the coding strand, the complement: FANCA is on the minus strand). VCF-style: chr16-89771772-G-C. GRCh37 (hg19) VCF-style: chr16-89838180-G-C.
Other names: c.2057C>G, p.Ala686Gly (NM_001286167.3); short protein forms A686G.
Identifiers: ClinVar variation 4067929 (VCV004067929.2).
Genomic context (GRCh38, chr16:89,771,772, plus strand): 5'-ATGCTGAGCTGAATCTTTGATATCTCAACGCTGCTGTCATCCTCATTGTGGCCCAGGACA[G>C]CCCTCAGTCTTTCAGAAATCACTGCCACCTGTGCCGATATAACTGCGAAGGAAGAAACTA-3'
Protein context (NP_000126.2, residues 676-696): QVAVISERLR[Ala686Gly]VLGHNEDDSS

ClinVar aggregate classification (germline): Uncertain significance. Review status: criteria provided, single submitter (1 of 4 stars). 2 submissions from 2 submitters: Uncertain significance (1). 1 of the submissions does not count toward it. Last evaluated 2026-08-23.

Conditions:
Fanconi anemia (FA). Also called: Fanconi's anemia. Identifiers: Orphanet 84, MedGen C0015625, MeSH D005199, MONDO:0019391.
Inborn genetic diseases. Identifiers: MedGen C0950123, MeSH D030342.

Submissions (2):

Ambry Genetics
Classification: Uncertain significance for Inborn genetic diseases. Last evaluated: 2026-08-23. Review status: criteria provided, single submitter. Criteria: Ambry Variant Classification Scheme 2023. Collection method: clinical testing. Allele origin: germline.
Comment: The p.A686G variant (also known as c.2057C>G), located in coding exon 23 of the FANCA gene, results from a C to G substitution at nucleotide position 2057. The alanine at codon 686 is replaced by glycine, an amino acid with similar properties. This amino acid position is conserved. In addition, this alteration is predicted to be tolerated by in silico analysis. Based on the available evidence, the clinical significance of this variant remains unclear.

Natera, Inc.
Classification: Uncertain significance for Fanconi anemia. Last evaluated: 2025-05-20. Review status: no assertion criteria provided. Collection method: clinical testing. Allele origin: germline. Not counted in ClinVar's aggregate classification.